The following is an entry in ClinVar:

NM_003995.4(NPR2):c.1151A>G (p.Lys384Arg)

Gene: NPR2 (natriuretic peptide receptor 2; plus strand). Cytogenetic location: 9p13.3.
Variant type: single nucleotide variant.
Coding change: c.1151A>G on transcript NM_003995.4 (MANE Select); coding-DNA position 1151, A replaced by G.
Protein change: p.Lys384Arg; replaces lysine 384 with arginine.
Molecular consequence: missense variant.
Genome position (GRCh38, 1-based): chr9:35,800,416, A>G. VCF-style: chr9-35800416-A-G. GRCh37 (hg19) VCF-style: chr9-35800413-A-G.
Other names: c.1151A>G, p.Lys384Arg (NM_001378923.1); short protein forms K384R.
Identifiers: ClinVar variation 3750775 (VCV003750775.2).

ClinVar aggregate classification (germline): Uncertain significance (1 of 4 stars; one submission).

Conditions:
Tall stature-scoliosis-macrodactyly of the great toes syndrome. Also called: Epiphyseal chondrodysplasia, miura type. Identifiers: Orphanet 329191, MedGen C4014690, MONDO:0014401, OMIM 615923.
Acromesomelic dysplasia 1, Maroteaux type (AMD1). Also called: ACROMESOMELIC DYSPLASIA 1; ST. HELENA DYSPLASIA. Identifiers: Orphanet 40, MedGen C1864356, MONDO:0011275, OMIM 602875.

gnomAD v4.1: 2 of 1,614,062 alleles (0.00012%); highest among the groups gnomAD compares: Non-Finnish European, 0.000085%; no homozygotes.

Submission:

Labcorp Genetics (formerly Invitae), Labcorp
Classification: Uncertain significance for Tall stature-scoliosis-macrodactyly of the great toes syndrome; Acromesomelic dysplasia 1, Maroteaux type. Last evaluated: 2024-06-21. Review status: criteria provided, single submitter. Criteria: Invitae Variant Classification Sherloc (09022015). Collection method: clinical testing. Allele origin: germline.
Comment: This sequence change replaces lysine, which is basic and polar, with arginine, which is basic and polar, at codon 384 of the NPR2 protein (p.Lys384Arg). This variant is present in population databases (no rsID available, gnomAD 0.01%). This variant has not been reported in the literature in individuals affected with NPR2-related conditions. Advanced modeling of protein sequence and biophysical properties (such as structural, functional, and spatial information, amino acid conservation, physicochemical variation, residue mobility, and thermodynamic stability) performed at Invitae indicates that this missense variant is not expected to disrupt NPR2 protein function with a negative predictive value of 80%. In summary, the available evidence is currently insufficient to determine the role of this variant in disease. Therefore, it has been classified as a Variant of Uncertain Significance.